The following is an entry in ClinVar:

ClinVar aggregate classification (germline): Uncertain significance (1 of 4 stars; one submission).

Conditions:
Hereditary nonpolyposis colorectal neoplasms. Identifiers: MedGen C0009405, MeSH D003123.

Submission:

Labcorp Genetics (formerly Invitae), Labcorp
Classification: Uncertain significance for Hereditary nonpolyposis colorectal neoplasms. Last evaluated: 2022-01-17. Review status: criteria provided, single submitter. Criteria: Invitae Variant Classification Sherloc (09022015). Collection method: clinical testing. Allele origin: germline.
Comment: This sequence change replaces proline, which is neutral and non-polar, with serine, which is neutral and polar, at codon 531 of the MSH6 protein (p.Pro531Ser). This variant is not present in population databases (gnomAD no frequency). This variant has not been reported in the literature in individuals affected with MSH6-related conditions. Advanced modeling of protein sequence and biophysical properties (such as structural, functional, and spatial information, amino acid conservation, physicochemical variation, residue mobility, and thermodynamic stability) performed at Invitae indicates that this missense variant is not expected to disrupt MSH6 protein function. In summary, the available evidence is currently insufficient to determine the role of this variant in disease. Therefore, it has been classified as a Variant of Uncertain Significance.

NM_000179.3(MSH6):c.1591C>T (p.Pro531Ser)

Gene: MSH6 (mutS homolog 6; plus strand). Cytogenetic location: 2p16.3.
Variant type: single nucleotide variant.
Coding change: c.1591C>T on transcript NM_000179.3 (MANE Select); coding-DNA position 1591, C replaced by T.
Protein change: p.Pro531Ser; replaces proline 531 with serine.
Molecular consequence: missense variant.
Genome position (GRCh38, 1-based): chr2:47,799,574, C>T. VCF-style: chr2-47799574-C-T. GRCh37 (hg19) VCF-style: chr2-48026713-C-T.
Other names: c.1201C>T, p.Pro401Ser (NM_001281492.2); c.685C>T, p.Pro229Ser (NM_001281493.2, NM_001281494.2, NM_001406823.1 and 6 more transcripts); c.1687C>T, p.Pro563Ser (NM_001406795.1, NM_001406802.1); c.1591C>T, p.Pro531Ser (NM_001406796.1, NM_001406798.1, NM_001406800.1 and 4 more transcripts); c.1294C>T, p.Pro432Ser (NM_001406797.1, NM_001406801.1, NM_001406805.1 and 10 more transcripts); c.1066C>T, p.Pro356Ser (NM_001406799.1, NM_001406806.1, NM_001406807.1); c.1513C>T, p.Pro505Ser (NM_001406804.1); c.1423C>T, p.Pro475Ser (NM_001406826.1); and 1 more; short protein forms P432S, P505S, P229S, P356S, P401S, P475S, P533S, P531S.
Identifiers: ClinVar variation 2087228 (VCV002087228.4), dbSNP rs201721694, ClinGen allele CA346746908.
Genomic context (GRCh38, chr2:47,799,574, plus strand): 5'-AGGGAGATCTGTAGGATCATTACCAAGGGTACACAGACTTACAGTGTGCTGGAAGGTGAT[C>T]CCTCTGAGAACTACAGTAAGTATCTTCTTAGCCTCAAAGAAAAAGAGGAAGATTCTTCTG-3'
Protein context (NP_000170.1, residues 521-541): TQTYSVLEGD[Pro531Ser]SENYSKYLLS